The following is an entry in ClinVar:

NM_000222.3(KIT):c.1408G>A (p.Gly470Arg)

Gene: KIT (KIT proto-oncogene, receptor tyrosine kinase; plus strand). Cytogenetic location: 4q12.
Variant type: single nucleotide variant.
Coding change: c.1408G>A on transcript NM_000222.3 (MANE Select); coding-DNA position 1408, G replaced by A.
Protein change: p.Gly470Arg; replaces glycine 470 with arginine.
Molecular consequence: missense variant.
Genome position (GRCh38, 1-based): chr4:54,725,918, G>A. VCF-style: chr4-54725918-G-A. GRCh37 (hg19) VCF-style: chr4-55592084-G-A.
Other names: c.1408G>A, p.Gly470Arg (NM_001093772.2, NM_001385285.1, NM_001385286.1); c.1411G>A, p.Gly471Arg (NM_001385284.1, NM_001385288.1, NM_001385290.1 and 1 more transcripts); short protein forms G470R, G471R.
Identifiers: ClinVar variation 458870 (VCV000458870.11), dbSNP rs749914029, ClinGen allele CA2923485.
Genomic context (GRCh38, chr4:54,725,918, plus strand): 5'-TGCTCTGCTTCTGTACTGCCAGTGGATGTGCAGACACTAAACTCATCTGGGCCACCGTTT[G>A]GAAAGCTAGTGGTTCAGAGTTCTATAGATTCTAGTGCATTCAAGCACAATGGCACGGTTG-3'
Protein context (NP_000213.1, residues 460-480): QTLNSSGPPF[Gly470Arg]KLVVQSSIDS

ClinVar aggregate classification (germline): Uncertain significance. Review status: criteria provided, multiple submitters, no conflicts (2 of 4 stars). 2 submissions from 2 submitters: Uncertain significance (2). Last evaluated 2026-01-19.

Conditions:
Hereditary cancer-predisposing syndrome. Also called: Tumor predisposition; Hereditary neoplastic syndrome; Neoplastic Syndromes, Hereditary; Hereditary Cancer Syndrome. Identifiers: Orphanet 140162, MedGen C0027672, MeSH D009386, MONDO:0015356.
Gastrointestinal stromal tumor. Also called: Gastrointestinal stroma tumor; Gastrointestinal stromal tumor, somatic. Identifiers: Orphanet 44890, MedGen C0238198, MeSH D046152, MONDO:0011719, OMIM 606764, HP:0100723.

Allele frequency attached by ClinVar (database versions not stated): gnomAD exomes below 0.00001; ExAC 0.00001; gnomAD 0.00001; TOPMed 0.00001.
gnomAD v4.1: 3 of 1,614,022 alleles (0.00019%); highest among the groups gnomAD compares: African/African-American, 0.0027%; no homozygotes.

Submissions (2):

Labcorp Genetics (formerly Invitae), Labcorp
Classification: Uncertain significance for Gastrointestinal stromal tumor. Last evaluated: 2026-01-19. Review status: criteria provided, single submitter. Criteria: Invitae Variant Classification Sherloc (09022015). Collection method: clinical testing. Allele origin: germline.
Comment: This sequence change replaces glycine, which is neutral and non-polar, with arginine, which is basic and polar, at codon 470 of the KIT protein (p.Gly470Arg). This variant is present in population databases (rs749914029, gnomAD 0.003%). This variant has not been reported in the literature in individuals affected with KIT-related conditions. ClinVar contains an entry for this variant (Variation ID: 458870). An algorithm developed to predict the effect of missense changes on protein structure and function (PolyPhen-2) suggests that this variant is likely to be disruptive. In summary, the available evidence is currently insufficient to determine the role of this variant in disease. Therefore, it has been classified as a Variant of Uncertain Significance.

Ambry Genetics
Classification: Uncertain significance for Hereditary cancer-predisposing syndrome. Last evaluated: 2025-10-15. Review status: criteria provided, single submitter. Criteria: Ambry Variant Classification Scheme 2023. Collection method: clinical testing. Allele origin: germline.
Comment: The p.G470R variant (also known as c.1408G>A), located in coding exon 9 of the KIT gene, results from a G to A substitution at nucleotide position 1408. The glycine at codon 470 is replaced by arginine, an amino acid with dissimilar properties. This amino acid position is well conserved in available vertebrate species. In addition, this alteration is predicted to be tolerated by in silico analysis. Since supporting evidence is limited at this time, the clinical significance of this alteration remains unclear.